The following is an entry in ClinVar:

ClinVar aggregate classification (germline): Uncertain significance (1 of 4 stars; one submission).

Allele frequency attached by ClinVar (database versions not stated): gnomAD exomes below 0.00001; gnomAD 0.00001; TOPMed 0.00001.
gnomAD v4.1: 2 of 1,614,020 alleles (0.00012%); highest among the groups gnomAD compares: African/African-American, 0.0013%; no homozygotes.

Submission:

Labcorp Genetics (formerly Invitae), Labcorp
Classification: Uncertain significance. Last evaluated: 2023-12-11. Review status: criteria provided, single submitter. Criteria: Invitae Variant Classification Sherloc (09022015). Collection method: clinical testing. Allele origin: germline.
Comment: This sequence change replaces arginine, which is basic and polar, with glutamine, which is neutral and polar, at codon 822 of the EXTL3 protein (p.Arg822Gln). This variant is not present in population databases (gnomAD no frequency). This variant has not been reported in the literature in individuals affected with EXTL3-related conditions. ClinVar contains an entry for this variant (Variation ID: 1449281). Advanced modeling of protein sequence and biophysical properties (such as structural, functional, and spatial information, amino acid conservation, physicochemical variation, residue mobility, and thermodynamic stability) performed at Invitae indicates that this missense variant is expected to disrupt EXTL3 protein function with a positive predictive value of 80%. In summary, the available evidence is currently insufficient to determine the role of this variant in disease. Therefore, it has been classified as a Variant of Uncertain Significance.

NM_001440.4(EXTL3):c.2465G>A (p.Arg822Gln)

Gene: EXTL3 (exostosin like glycosyltransferase 3; plus strand). Cytogenetic location: 8p21.1.
Variant type: single nucleotide variant.
Coding change: c.2465G>A on transcript NM_001440.4 (MANE Select); coding-DNA position 2465, G replaced by A.
Protein change: p.Arg822Gln; replaces arginine 822 with glutamine.
Molecular consequence: missense variant. On other transcripts: non-coding transcript variant (1).
Genome position (GRCh38, 1-based): chr8:28,743,129, G>A. VCF-style: chr8-28743129-G-A. GRCh37 (hg19) VCF-style: chr8-28600646-G-A.
Other names: short protein forms R822Q.
Identifiers: ClinVar variation 1449281 (VCV001449281.8), dbSNP rs1801814153, ClinGen allele CA370849638.